The following is an entry in ClinVar:

ClinVar aggregate classification (germline): Pathogenic/Likely pathogenic. Review status: criteria provided, multiple submitters, no conflicts (2 of 4 stars). 8 submissions from 8 submitters: Pathogenic (1); Likely pathogenic (6). 1 of the submissions does not count toward it. Last evaluated 2026-01-21.

Conditions:
Glycine encephalopathy 1 (GCE1). Identifiers: MedGen CN376801, MONDO:0958179, OMIM 605899.
AMT-related disorder. Also called: AMT-related condition.
Glycine encephalopathy. Also called: Nonketotic hyperglycinemia; Non-ketotic hyperglycinemia. Identifiers: Orphanet 407, MedGen C0751748, MONDO:0011612, HP:0008288.
Glycine encephalopathy 2 (GCE2). Identifiers: MedGen C5830559, MONDO:0958192, OMIM 620398.

Allele frequency attached by ClinVar (database versions not stated): gnomAD 0.00001; gnomAD exomes 0.00002; TOPMed 0.00002.
gnomAD v4.1: 24 of 1,613,862 alleles (0.0015%); highest among the groups gnomAD compares: African/African-American, 0.0027%; no homozygotes.

Submissions (8):

Natera, Inc.
Classification: Likely pathogenic for Non-ketotic hyperglycinemia. Last evaluated: 2026-01-21. Review status: criteria provided, single submitter. Criteria: Natera Variant Classification Schema (03/2026). Collection method: clinical testing. Allele origin: germline.
Comment: The c.958C>T variant in AMT is a missense variant predicted to cause substitution of arginine to cysteine at amino acid 320. This variant is rare in the general population with a frequency below the threshold expected for the associated phenotype(s). This variant has been observed in one or more individuals affected with the associated recessive disease, as either homozygous or compound heterozygous with a second variant (PMID: 35357708, 27362913). A different variant at the same position has been determined to be Pathogenic or Likely Pathogenic. Computational prediction algorithms indicate this variant is likely to affect gene or protein function. Given the available evidence, this variant is classified as Likely Pathogenic.

Labcorp Genetics (formerly Invitae), Labcorp
Classification: Pathogenic for Glycine encephalopathy. Last evaluated: 2025-04-21. Review status: criteria provided, single submitter. Criteria: Invitae Variant Classification Sherloc (09022015). Collection method: clinical testing. Allele origin: germline.
Comment: This sequence change replaces arginine, which is basic and polar, with cysteine, which is neutral and slightly polar, at codon 320 of the AMT protein (p.Arg320Cys). This variant is present in population databases (no rsID available, gnomAD 0.004%). This missense change has been observed in individual(s) with glycine encephalopathy (PMID: 27362913, 29300369; internal data). In at least one individual the data is consistent with being in trans (on the opposite chromosome) from a pathogenic variant. ClinVar contains an entry for this variant (Variation ID: 556278). Invitae Evidence Modeling of protein sequence and biophysical properties (such as structural, functional, and spatial information, amino acid conservation, physicochemical variation, residue mobility, and thermodynamic stability) indicates that this missense variant is expected to disrupt AMT protein function with a positive predictive value of 95%. Algorithms developed to predict the effect of sequence changes on RNA splicing suggest that this variant may create or strengthen a splice site. This variant disrupts the p.Arg320 amino acid residue in AMT. Other variant(s) that disrupt this residue have been determined to be pathogenic (PMID: 8005589, 10873393, 12948742, 23352163). This suggests that this residue is clinically significant, and that variants that disrupt this residue are likely to be disease-causing. For these reasons, this variant has been classified as Pathogenic.

Fulgent Genetics
Classification: Likely pathogenic for Glycine encephalopathy 2. Last evaluated: 2024-04-03. Review status: criteria provided, single submitter. Criteria: ACMG Guidelines, 2015. Collection method: clinical testing. Allele origin: germline.

Blueprint Genetics
Classification: Likely pathogenic for AMT-related disorders. Last evaluated: 2023-05-12. Review status: criteria provided, single submitter. Criteria: ACMG Guidelines, 2015. Collection method: clinical testing. Allele origin: germline. Affected: yes. Observed: 2 variant alleles.

3billion
Classification: Likely pathogenic for Glycine encephalopathy 1. Last evaluated: 2022-09-01. Review status: criteria provided, single submitter. Criteria: ACMG Guidelines, 2015. Collection method: clinical testing. Allele origin: germline. Affected: yes. Observed: 1 homozygote.
Comment: The variant is observed at an extremely low frequency in the gnomAD v2.1.1 dataset (total allele frequency: 0.002%). In silico tool predictions suggest damaging effect of the variant on gene or gene product (REVEL: 0.88). Same nucleotide change resulting in same amino acid change has been previously reported to be associated with AMT -related disorder (ClinVar ID: VCV000556278). A different missense change at the same codon (p.Arg320His) has been reported as pathogenic/likely pathogenic with strong evidence (ClinVar ID: VCV000011979). Therefore, this variant is classified as Likely pathogenic according to the recommendation of ACMG/AMP guideline.

Revvity Omics, Revvity
Classification: Likely pathogenic for Glycine encephalopathy 2. Last evaluated: 2020-12-23. Review status: criteria provided, single submitter. Criteria: ACMG Guidelines, 2015. Collection method: clinical testing. Allele origin: germline.

Rady Children's Institute for Genomic Medicine, Rady Children's Hospital San Diego
Classification: Likely pathogenic for GLYCINE ENCEPHALOPATHY. Last evaluated: 2019-12-09. Review status: criteria provided, single submitter. Criteria: ACMG Guidelines, 2015. Collection method: clinical testing. Allele origin: germline. Affected: yes.
Comment: This variant has been previously reported as a compound heterozygous change in patients with nonketotic hyperglycinemia (PMID: 27362913). ClinVar contains an entry for this variant (Variation ID: 556278). Different missense substitutions at this codon (p.Arg320His and p.Arg320Gly) have also been reported in individuals with nonketotic hyperglycinemia (PMID: 27362913, 10873393, 12948742, 8005589). It is present in the heterozygous state in the gnomAD population database at a frequency of 0.002% (4/251144) and thus is presumed to be rare. The c.958C>T (p.Arg320Cys) variant affects a highly conserved amino acid and is predicted by multiple in silico tools to have a deleterious effect on protein function. Based on the available evidence, the c.958C>T (p.Arg320Cys) variant is classified as Likely Pathogenic.

Counsyl
Classification: Uncertain significance for Glycine encephalopathy 1. Last evaluated: 2018-01-23. Review status: no assertion criteria provided. Collection method: clinical testing. Allele origin: unknown. Not counted in ClinVar's aggregate classification.

Literature cited by the submitters: PubMed 35357708 (cited by Natera, Inc.); PubMed 27362913 (cited by 3 submitters); PubMed 29300369 (cited by Labcorp Genetics (formerly Invitae), Labcorp); PubMed 8005589 (cited by Labcorp Genetics (formerly Invitae), Labcorp); PubMed 10873393 (cited by Labcorp Genetics (formerly Invitae), Labcorp); PubMed 12948742 (cited by Labcorp Genetics (formerly Invitae), Labcorp); PubMed 23352163 (cited by Labcorp Genetics (formerly Invitae), Labcorp).

NM_000481.4(AMT):c.958C>T (p.Arg320Cys)

Gene: AMT (aminomethyltransferase; minus strand). Cytogenetic location: 3p21.31.
Variant type: single nucleotide variant.
Coding change: c.958C>T on transcript NM_000481.4 (MANE Select); coding-DNA position 958, C replaced by T.
Protein change: p.Arg320Cys; replaces arginine 320 with cysteine.
Molecular consequence: missense variant. On other transcripts: non-coding transcript variant (1).
Genome position (GRCh38, 1-based): chr3:49,417,893, G>A on the plus strand (C>T on the coding strand, the complement: AMT is on the minus strand). VCF-style: chr3-49417893-G-A. GRCh37 (hg19) VCF-style: chr3-49455326-G-A.
Other names: c.826C>T, p.Arg276Cys (NM_001164710.2); c.790C>T, p.Arg264Cys (NM_001164711.2); c.958C>T, p.Arg320Cys (NM_001164712.2); short protein forms R320C, R276C, R264C.
Identifiers: ClinVar variation 556278 (VCV000556278.19), dbSNP rs866625610, ClinGen allele CA74512260.